The following is an entry in ClinVar:

ClinVar aggregate classification (germline): Uncertain significance (1 of 4 stars; one submission).

Conditions:
Cardiomyopathy (CMYO). Also called: Cardiomyopathies. Identifiers: Orphanet 167848, MedGen C0878544, MONDO:0004994, HP:0001638. Inheritance: Various modes of inheritance.

Submission:

Color Diagnostics, LLC DBA Color Health
Classification: Uncertain significance for Cardiomyopathy. Last evaluated: 2023-12-04. Review status: criteria provided, single submitter. Criteria: ACMG Guidelines, 2015. Collection method: clinical testing. Allele origin: germline.
Comment: This missense variant replaces aspartic acid with asparagine at codon 786 of the PKP2 protein. Computational prediction tools and conservation analyses are inconclusive regarding the impact of this variant on the protein function. Computational splicing tools suggest that this variant may not impact RNA splicing. To our knowledge, functional assays have not been performed for this variant nor has this variant been reported in individuals affected with cardiovascular disorders in the literature. This variant has not been identified in the general population by the Genome Aggregation Database (gnomAD). Available evidence is insufficient to determine the role of this variant in disease conclusively. Therefore, this variant is classified as a Variant of Uncertain Significance.

NM_001005242.3(PKP2):c.2224G>A (p.Asp742Asn)

Gene: PKP2 (plakophilin 2; minus strand). Cytogenetic location: 12p11.21.
Variant type: single nucleotide variant.
Coding change: c.2224G>A on transcript NM_001005242.3 (MANE Select); coding-DNA position 2224, G replaced by A.
Protein change: p.Asp742Asn; replaces aspartic acid 742 with asparagine.
Molecular consequence: missense variant.
Genome position (GRCh38, 1-based): chr12:32,796,242, C>T on the plus strand (G>A on the coding strand, the complement: PKP2 is on the minus strand). VCF-style: chr12-32796242-C-T. GRCh37 (hg19) VCF-style: chr12-32949176-C-T.
Other names: c.2356G>A, p.Asp786Asn (NM_004572.4); short protein forms D742N, D786N.
Identifiers: ClinVar variation 920753 (VCV000920753.5), dbSNP rs1956122133, ClinGen allele CA384357863.